The following is an entry in ClinVar:

ClinVar aggregate classification (germline): Uncertain significance. Review status: criteria provided, single submitter (1 of 4 stars). 2 submissions from 2 submitters: Uncertain significance (1). 1 of the submissions does not count toward it. Last evaluated 2021-08-24.

Conditions:
Leukoencephalopathy with vanishing white matter 4 (VWM4). Also called: Leukoencephalopathy with vanishing white matter 4, with or without ovarian failure; EIF2B4-Related Childhood Ataxia with Central Nervous System Hypomyelination/Vanishing White Matter. Identifiers: MedGen C5830406, MONDO:0957872, OMIM 620314.

Allele frequency attached by ClinVar (database versions not stated): TOPMed 0.00002; gnomAD exomes 0.00003; gnomAD 0.00001; ExAC 0.00002.
gnomAD v4.1: 27 of 1,614,066 alleles (0.0017%); highest among the groups gnomAD compares: East Asian, 0.031%; no homozygotes.

Submissions (2):

Labcorp Genetics (formerly Invitae), Labcorp
Classification: Uncertain significance. Last evaluated: 2021-08-24. Review status: criteria provided, single submitter. Criteria: Invitae Variant Classification Sherloc (09022015). Collection method: clinical testing. Allele origin: germline.
Comment: This sequence change replaces isoleucine with valine at codon 318 of the EIF2B4 protein (p.Ile318Val). The isoleucine residue is highly conserved and there is a small physicochemical difference between isoleucine and valine. This variant is present in population databases (rs769371305, ExAC 0.02%). This missense change has been observed in individual(s) with vanishing white matter disease (PMID: 25600065). Algorithms developed to predict the effect of missense changes on protein structure and function (SIFT, PolyPhen-2, Align-GVGD) all suggest that this variant is likely to be disruptive. In summary, the available evidence is currently insufficient to determine the role of this variant in disease. Therefore, it has been classified as a Variant of Uncertain Significance.

OMIM
Classification: Pathogenic for LEUKOENCEPHALOPATHY WITH VANISHING WHITE MATTER 4. Last evaluated: 2025-06-12. Review status: no assertion criteria provided. Collection method: literature only. Allele origin: germline. Not counted in ClinVar's aggregate classification.

Literature cited by the submitters: PubMed 25600065 (cited by Labcorp Genetics (formerly Invitae), Labcorp and OMIM).

NM_001034116.2(EIF2B4):c.955A>G (p.Ile319Val)

Genes: EIF2B4 (eukaryotic translation initiation factor 2B subunit delta; minus strand), GTF3C2-AS2 (GTF3C2 antisense RNA 2; plus strand). Cytogenetic location: 2p23.3.
Variant type: single nucleotide variant.
Coding change: c.955A>G on transcript NM_001034116.2 (MANE Select); coding-DNA position 955, A replaced by G.
Protein change: p.Ile319Val; replaces isoleucine 319 with valine.
Molecular consequence: missense variant.
Genome position (GRCh38, 1-based): chr2:27,367,132, T>C on the plus strand (A>G on the coding strand, the complement: EIF2B4 is on the minus strand). VCF-style: chr2-27367132-T-C. GRCh37 (hg19) VCF-style: chr2-27589999-T-C.
Other names: c.1018A>G, p.Ile340Val (NM_001318965.2); c.910A>G, p.Ile304Val (NM_001318966.2); c.862A>G, p.Ile288Val (NM_001318967.2); c.370A>G, p.Ile124Val (NM_001318968.2); c.337A>G, p.Ile113Val (NM_001318969.2); c.952A>G, p.Ile318Val (NM_015636.4); c.1015A>G, p.Ile339Val (NM_172195.4); short protein forms I339V, I288V, I113V, I340V, I124V, I318V, I319V, I304V.
Identifiers: ClinVar variation 1504593 (VCV001504593.4), dbSNP rs769371305, ClinGen allele CA1576692.